The following is an entry in ClinVar:

NM_001127222.2(CACNA1A):c.1198+8C>T

Gene: CACNA1A (calcium voltage-gated channel subunit alpha1 A; minus strand). Cytogenetic location: 19p13.13.
Variant type: single nucleotide variant.
Coding change: c.1198+8C>T on transcript NM_001127222.2 (MANE Select); 8 bases into the intron after coding-DNA position 1198, C replaced by T.
Molecular consequence: intron variant.
Genome position (GRCh38, 1-based): chr19:13,334,370, G>A on the plus strand (C>T on the coding strand, the complement: CACNA1A is on the minus strand). VCF-style: chr19-13334370-G-A. GRCh37 (hg19) VCF-style: chr19-13445184-G-A.
Other names: c.1198+8C>T (NM_001127221.2, NM_001174080.2, NM_000068.4 and 1 more transcripts).
Identifiers: ClinVar variation 3026825 (VCV003026825.22), dbSNP rs2513048735, ClinGen allele CA2582838679.

ClinVar aggregate classification (germline): Uncertain significance (1 of 4 stars; one submission).

Submission:

CeGaT Center for Human Genetics Tuebingen
Classification: Uncertain significance. Last evaluated: 2024-01-01. Review status: criteria provided, single submitter. Criteria: CeGaT Center For Human Genetics Tuebingen Variant Classification Criteria Version 2. Collection method: clinical testing. Allele origin: germline. Affected: yes. Observed: 1 variant allele.
Comment: CACNA1A: PM2, BP4